The following is an entry in ClinVar:

ClinVar aggregate classification (germline): Uncertain significance (1 of 4 stars; one submission).

Conditions:
Dyskeratosis congenita, autosomal recessive 6 (DKCB6). Identifiers: MedGen C4225356, MONDO:0014600, OMIM 616353.
Pulmonary fibrosis and/or bone marrow failure, Telomere-related, 4. Also called: PULMONARY FIBROSIS AND/OR BONE MARROW FAILURE SYNDROME, TELOMERE-RELATED, 4. Identifiers: Orphanet 2032, MedGen C4225347, MONDO:0014612, OMIM 616371.

Allele frequency attached by ClinVar (database versions not stated): ExAC 0.00001; gnomAD 0.00001; gnomAD exomes 0.00003.
gnomAD v4.1: 39 of 1,604,800 alleles (0.0024%); highest among the groups gnomAD compares: Non-Finnish European, 0.0032%; no homozygotes.

Submission:

Labcorp Genetics (formerly Invitae), Labcorp
Classification: Uncertain significance for Dyskeratosis congenita, autosomal recessive 6; Pulmonary fibrosis and/or bone marrow failure, Telomere-related, 4. Last evaluated: 2023-07-28. Review status: criteria provided, single submitter. Criteria: Invitae Variant Classification Sherloc (09022015). Collection method: clinical testing. Allele origin: germline.
Comment: In summary, the available evidence is currently insufficient to determine the role of this variant in disease. Therefore, it has been classified as a Variant of Uncertain Significance. Advanced modeling of protein sequence and biophysical properties (such as structural, functional, and spatial information, amino acid conservation, physicochemical variation, residue mobility, and thermodynamic stability) has been performed at Invitae for this missense variant, however the output from this modeling did not meet the statistical confidence thresholds required to predict the impact of this variant on PARN protein function. This variant has not been reported in the literature in individuals affected with PARN-related conditions. This variant is present in population databases (rs780700912, gnomAD 0.004%). This sequence change replaces methionine, which is neutral and non-polar, with valine, which is neutral and non-polar, at codon 289 of the PARN protein (p.Met289Val).

NM_002582.4(PARN):c.865A>G (p.Met289Val)

Gene: PARN (poly(A)-specific ribonuclease; minus strand). Cytogenetic location: 16p13.12.
Variant type: single nucleotide variant.
Coding change: c.865A>G on transcript NM_002582.4 (MANE Select); coding-DNA position 865, A replaced by G.
Protein change: p.Met289Val; replaces methionine 289 with valine.
Molecular consequence: missense variant.
Genome position (GRCh38, 1-based): chr16:14,593,354, T>C on the plus strand (A>G on the coding strand, the complement: PARN is on the minus strand). VCF-style: chr16-14593354-T-C. GRCh37 (hg19) VCF-style: chr16-14687211-T-C.
Other names: c.727A>G, p.Met243Val (NM_001242992.2); c.682A>G, p.Met228Val (NM_001134477.3); short protein forms M243V, M289V, M228V.
Identifiers: ClinVar variation 2929731 (VCV002929731.3), dbSNP rs780700912, ClinGen allele CA7912253.